The following is an entry in ClinVar:

ClinVar aggregate classification (germline): Uncertain significance (1 of 4 stars; one submission).

Conditions:
Multiple endocrine neoplasia, type 1 (MEN1). Also called: MEN I; WERMER SYNDROME; Endocrine adenomatosis multiple; MEN 1; MEA I. Identifiers: Orphanet 652, MedGen C0025267, MeSH D018761, MONDO:0007540, OMIM 131100.

Submission:

Labcorp Genetics (formerly Invitae), Labcorp
Classification: Uncertain significance for Multiple endocrine neoplasia, type 1. Last evaluated: 2024-12-25. Review status: criteria provided, single submitter. Criteria: Invitae Variant Classification Sherloc (09022015). Collection method: clinical testing. Allele origin: germline.
Comment: This sequence change replaces glutamine, which is neutral and polar, with arginine, which is basic and polar, at codon 349 of the MEN1 protein (p.Gln349Arg). This variant is not present in population databases (gnomAD no frequency). This variant has not been reported in the literature in individuals affected with MEN1-related conditions. Invitae Evidence Modeling of protein sequence and biophysical properties (such as structural, functional, and spatial information, amino acid conservation, physicochemical variation, residue mobility, and thermodynamic stability) indicates that this missense variant is not expected to disrupt MEN1 protein function with a negative predictive value of 80%. In summary, the available evidence is currently insufficient to determine the role of this variant in disease. Therefore, it has been classified as a Variant of Uncertain Significance.

NM_001370259.2(MEN1):c.1046A>G (p.Gln349Arg)

Gene: MEN1 (menin 1; minus strand). Cytogenetic location: 11q13.1.
Variant type: single nucleotide variant.
Coding change: c.1046A>G on transcript NM_001370259.2 (MANE Select); coding-DNA position 1046, A replaced by G.
Protein change: p.Gln349Arg; replaces glutamine 349 with arginine.
Molecular consequence: missense variant. On other transcripts: non-coding transcript variant (4).
Genome position (GRCh38, 1-based): chr11:64,806,235, T>C on the plus strand (A>G on the coding strand, the complement: MEN1 is on the minus strand). VCF-style: chr11-64806235-T-C. GRCh37 (hg19) VCF-style: chr11-64573707-T-C.
Other names: c.1061A>G, p.Gln354Arg (NM_000244.4, NM_130800.3, NM_130801.3 and 5 more transcripts); c.1046A>G, p.Gln349Arg (NM_001370251.2, NM_001370260.2, NM_001370261.2 and 7 more transcripts); c.941A>G, p.Gln314Arg (NM_001370262.2, NM_001370263.2, NM_001407148.1 and 2 more transcripts); short protein forms Q314R, Q354R, Q349R.
Identifiers: ClinVar variation 3634196 (VCV003634196.2).